The following is an entry in ClinVar:

NM_000535.7(PMS2):c.2489T>C (p.Leu830Pro)

Gene: PMS2 (PMS1 homolog 2, mismatch repair system component; minus strand). Cytogenetic location: 7p22.1.
Variant type: single nucleotide variant.
Coding change: c.2489T>C on transcript NM_000535.7 (MANE Select); coding-DNA position 2489, T replaced by C.
Protein change: p.Leu830Pro; replaces leucine 830 with proline.
Molecular consequence: missense variant. On other transcripts: non-coding transcript variant (1).
Genome position (GRCh38, 1-based): chr7:5,973,499, A>G on the plus strand (T>C on the coding strand, the complement: PMS2 is on the minus strand). VCF-style: chr7-5973499-A-G. GRCh37 (hg19) VCF-style: chr7-6013130-A-G.
Other names: c.2084T>C, p.Leu695Pro (NM_001322003.2, NM_001322004.2, NM_001322005.2); c.2333T>C, p.Leu778Pro (NM_001322006.2); c.2171T>C, p.Leu724Pro (NM_001322007.2, NM_001322008.2); c.2117T>C, p.Leu706Pro (NM_001322009.2); c.1928T>C, p.Leu643Pro (NM_001322010.2); c.1556T>C, p.Leu519Pro (NM_001322011.2, NM_001322012.2); c.1916T>C, p.Leu639Pro (NM_001322013.2); c.2522T>C, p.Leu841Pro (NM_001322014.2); and 1 more; short protein forms L639P, L643P, L724P, L519P, L706P, L778P, L841P, L695P.
Identifiers: ClinVar variation 844331 (VCV000844331.8), dbSNP rs1781502574, ClinGen allele CA366734948.

ClinVar aggregate classification (germline): Conflicting classifications of pathogenicity. Review status: criteria provided, conflicting classifications (1 of 4 stars). 3 submissions from 3 submitters: Likely pathogenic (1); Uncertain significance (2). Last evaluated 2022-11-30.

Conditions:
Hereditary nonpolyposis colorectal neoplasms. Identifiers: MedGen C0009405, MeSH D003123.
Hereditary cancer-predisposing syndrome. Also called: Hereditary Cancer Syndrome; Hereditary neoplastic syndrome; Tumor predisposition; Neoplastic Syndromes, Hereditary. Identifiers: Orphanet 140162, MedGen C0027672, MeSH D009386, MONDO:0015356.
Lynch syndrome 4 (LYNCH4). Also called: Colorectal cancer, hereditary nonpolyposis, type 4; Hereditary non-polyposis colorectal cancer, type 4. Identifiers: Orphanet 144, MedGen C1838333, MONDO:0013699, OMIM 614337. Disease mechanism: loss of function.

Submissions (3):

Labcorp Genetics (formerly Invitae), Labcorp
Classification: Uncertain significance for Hereditary nonpolyposis colorectal neoplasms. Last evaluated: 2022-11-30. Review status: criteria provided, single submitter. Criteria: Invitae Variant Classification Sherloc (09022015). Collection method: clinical testing. Allele origin: germline.
Comment: This missense change has been observed in individuals with clinical features of Lynch syndrome (Invitae). The frequency data for this variant in the population databases (gnomAD) is considered unreliable due to the presence of homologous sequence, such as pseudogenes or paralogs, in the genome. This sequence change replaces leucine, which is neutral and non-polar, with proline, which is neutral and non-polar, at codon 830 of the PMS2 protein (p.Leu830Pro). ClinVar contains an entry for this variant (Variation ID: 844331). In summary, the available evidence is currently insufficient to determine the role of this variant in disease. Therefore, it has been classified as a Variant of Uncertain Significance. Advanced modeling of protein sequence and biophysical properties (such as structural, functional, and spatial information, amino acid conservation, physicochemical variation, residue mobility, and thermodynamic stability) performed at Invitae indicates that this missense variant is expected to disrupt PMS2 protein function.

Ambry Genetics
Classification: Uncertain significance for Hereditary cancer-predisposing syndrome. Last evaluated: 2022-10-31. Review status: criteria provided, single submitter. Criteria: Ambry General Variant Classification Scheme_2022. Collection method: clinical testing. Allele origin: germline. Observed: 1 variant allele.
Comment: The p.L830P variant (also known as c.2489T>C), located in coding exon 15 of the PMS2 gene, results from a T to C substitution at nucleotide position 2489. The leucine at codon 830 is replaced by proline, an amino acid with similar properties. This amino acid position is conserved. In addition, the in silico prediction for this alteration is inconclusive. Since supporting evidence is limited at this time, the clinical significance of this alteration remains unclear.

Centre de Génétique Humaine, Institut de Pathologie Et de Génétique
Classification: Likely pathogenic for Lynch syndrome 4. Last evaluated: 2022-04-27. Review status: criteria provided, single submitter. Criteria: ACMG Guidelines, 2015. Collection method: clinical testing. Allele origin: unknown. Inheritance: Autosomal dominant inheritance. Affected: yes. Observed: 2 heterozygotes. Clinical features observed: Colon adenocarcinoma (HP:0040276), Urinary tract neoplasm (HP:0010786).
Comment: Substitution of a highly conserved nucleotide and amino acid in the last exon of the PMS2 gene. There is a moderate physicochemical difference between leucine and proline (Grantham score 98). Bioinformatic tools suggest that it may be pathogenic. PMS2 cDNA sequencing confirmed the presence of the variant in the PMS2 gene (exclusion of PMS2CL, a pseudogene highly similar to PMS2).